The following is an entry in ClinVar:

ClinVar aggregate classification (germline): Conflicting classifications of pathogenicity. Review status: criteria provided, conflicting classifications (1 of 4 stars). 3 submissions from 3 submitters: Uncertain significance (1); Likely benign (1). 1 of the submissions does not count toward it. Last evaluated 2025-09-10.

Conditions:
HIVEP1-related disorder. Also called: HIVEP1-related condition.

Allele frequency attached by ClinVar (database versions not stated): gnomAD exomes 0.00006 and 0.00020; ExAC 0.00022; ESP Exome Variant Server 0.00072; gnomAD 0.00080 and 0.00083; TOPMed 0.00081; 1000 Genomes Project 0.00200; 1000 Genomes Project 30x 0.00203.
gnomAD v4.1: 215 of 1,614,076 alleles (0.013%); highest among the groups gnomAD compares: African/African-American, 0.27%; no homozygotes.

Submissions (3):

Ambry Genetics
Classification: Uncertain significance. Last evaluated: 2025-09-10. Review status: criteria provided, single submitter. Criteria: Ambry Variant Classification Scheme 2023. Collection method: clinical testing. Allele origin: germline.

Labcorp Genetics (formerly Invitae), Labcorp
Classification: Likely benign. Last evaluated: 2018-05-24. Review status: criteria provided, single submitter. Criteria: Invitae Variant Classification Sherloc (09022015). Collection method: clinical testing. Allele origin: germline.

PreventionGenetics, part of Exact Sciences
Classification: Likely benign for HIVEP1-related condition. Last evaluated: 2022-08-10. Review status: no assertion criteria provided. Collection method: clinical testing. Allele origin: germline. Not counted in ClinVar's aggregate classification.
Comment: This variant is classified as likely benign based on ACMG/AMP sequence variant interpretation guidelines (Richards et al. 2015 PMID: 25741868, with internal and published modifications).

NM_002114.4(HIVEP1):c.4212G>T (p.Leu1404Phe)

Gene: HIVEP1 (HIVEP zinc finger 1; plus strand). Cytogenetic location: 6p24.1.
Variant type: single nucleotide variant.
Coding change: c.4212G>T on transcript NM_002114.4 (MANE Select); coding-DNA position 4212, G replaced by T.
Protein change: p.Leu1404Phe; replaces leucine 1404 with phenylalanine.
Molecular consequence: missense variant.
Genome position (GRCh38, 1-based): chr6:12,124,007, G>T. VCF-style: chr6-12124007-G-T. GRCh37 (hg19) VCF-style: chr6-12124240-G-T.
Other names: c.4212G>T (NM_002114.2); short protein forms L1404F.
Identifiers: ClinVar variation 743637 (VCV000743637.6), dbSNP rs200796765, ClinGen allele CA3637721.
Genomic context (GRCh38, chr6:12,124,007, plus strand): 5'-AAGCAAATCATTCGATTGTGGAAGCATCACCCCACCCCAGACAACACCACTTACTGAATT[G>T]CAGCCTCCATCTTCACCTTCTCGAGTGGGAGTGACTGGGCATGTGCCTCTCTTAGAAAGA-3'
Protein context (NP_002105.3, residues 1394-1414): TPPQTTPLTE[Leu1404Phe]QPPSSPSRVG